The following is an entry in ClinVar:

NM_001204.7(BMPR2):c.1862C>G (p.Thr621Arg)

Gene: BMPR2 (bone morphogenetic protein receptor type 2; plus strand). Cytogenetic location: 2q33.2.
Variant type: single nucleotide variant.
Coding change: c.1862C>G on transcript NM_001204.7 (MANE Select); coding-DNA position 1862, C replaced by G.
Protein change: p.Thr621Arg; replaces threonine 621 with arginine.
Molecular consequence: missense variant.
Genome position (GRCh38, 1-based): chr2:202,555,527, C>G. VCF-style: chr2-202555527-C-G. GRCh37 (hg19) VCF-style: chr2-203420250-C-G.
Other names: short protein forms T621R.
Identifiers: ClinVar variation 3992074 (VCV003992074.1).
Genomic context (GRCh38, chr2:202,555,527, plus strand): 5'-CTGAAACAAGTGTCACCAGCCTCTCCACCAACACAACAACCACAAACACCACAGGACTCA[C>G]GCCAAGTACTGGCATGACTACTATATCTGAGATGCCATACCCAGATGAAACAAATCTGCA-3'
Protein context (NP_001195.2, residues 611-631): NTTTTNTTGL[Thr621Arg]PSTGMTTISE

ClinVar aggregate classification (germline): Uncertain significance (1 of 4 stars; one submission).

Conditions:
Inborn genetic diseases. Identifiers: MedGen C0950123, MeSH D030342.

gnomAD v4.1: 5 of 1,614,034 alleles (0.00031%); highest among the groups gnomAD compares: Non-Finnish European, 0.00042%; no homozygotes.

Submission:

Ambry Genetics
Classification: Uncertain significance for Inborn genetic diseases. Last evaluated: 2025-03-29. Review status: criteria provided, single submitter. Criteria: Ambry Variant Classification Scheme 2023. Collection method: clinical testing. Allele origin: germline.
Comment: The p.T621R variant (also known as c.1862C>G), located in coding exon 12 of the BMPR2 gene, results from a C to G substitution at nucleotide position 1862. The threonine at codon 621 is replaced by arginine, an amino acid with similar properties. This amino acid position is conserved. In addition, the in silico prediction for this alteration is inconclusive. Based on the available evidence, the clinical significance of this variant remains unclear.